The following is an entry in ClinVar:

ClinVar aggregate classification (germline): Likely pathogenic (1 of 4 stars; one submission).

Conditions:
Inborn genetic diseases. Identifiers: MedGen C0950123, MeSH D030342.

Submission:

Ambry Genetics
Classification: Likely pathogenic for Inborn genetic diseases. Last evaluated: 2017-06-14. Review status: criteria provided, single submitter. Criteria: Ambry Variant Classification Scheme 2023. Collection method: clinical testing. Allele origin: germline.
Comment: The p.V513A variant (also known as c.1538T>C), located in coding exon 14 of the DDX3X gene, results from a T to C substitution at nucleotide position 1538. The valine at codon 513 is replaced by alanine, an amino acid with similar properties. This variant has been determined to be the result of a de novo mutation or germline mosaicism in one family with an isolated case of DDX3X-related intellectual disability. This alteration is indicated to destabilize packing of the hydrophobic core of the C-terminal helicase domain (Ambry internal data; H&ouml;gbom M et al. J. Mol. Biol., 2007 Sep;372:150-9). This amino acid position is highly conserved in available vertebrate species. In addition, this alteration is predicted to be deleterious by in silico analysis. Based on the majority of available evidence to date, this variant is likely to be pathogenic.

Literature cited by the submitters: PubMed 17631897.

NM_001356.5(DDX3X):c.1538T>C (p.Val513Ala)

Gene: DDX3X (DEAD-box helicase 3 X-linked; plus strand). Cytogenetic location: Xp11.4.
Variant type: single nucleotide variant.
Coding change: c.1538T>C on transcript NM_001356.5 (MANE Select); coding-DNA position 1538, T replaced by C.
Protein change: p.Val513Ala; replaces valine 513 with alanine.
Molecular consequence: missense variant. On other transcripts: non-coding transcript variant (1).
Genome position (GRCh38, 1-based): chrX:41,346,545, T>C. VCF-style: chrX-41346545-T-C. GRCh37 (hg19) VCF-style: chrX-41205798-T-C.
Other names: c.1538T>C, p.Val513Ala (NM_001193416.3); c.1490T>C, p.Val497Ala (NM_001193417.3); c.980T>C, p.Val327Ala (NM_001363819.1); short protein forms V513A, V497A, V327A.
Identifiers: ClinVar variation 588702 (VCV000588702.5), dbSNP rs1569240261, ClinGen allele CA412776373.
Genomic context (GRCh38, chrX:41,346,545, plus strand): 5'-TCATAAAAGTTATTTTCCAGGTAGCAGCAAGAGGACTGGACATTTCAAATGTGAAACATG[T>C]TATCAATTTTGACTTGCCAAGTGATATTGAAGAATATGTACATCGTATTGGTCGTACGGG-3'
Protein context (NP_001347.3, residues 503-523): RGLDISNVKH[Val513Ala]INFDLPSDIE